The following is an entry in ClinVar:

ClinVar aggregate classification (germline): Uncertain significance (1 of 4 stars; one submission).

Conditions:
Familial cold autoinflammatory syndrome 3 (FCAS3). Also called: FAMILIAL ATYPICAL COLD URTICARIA; ANTIBODY DEFICIENCY AND IMMUNE DYSREGULATION, PLCG2-ASSOCIATED. Identifiers: Orphanet 300359, MedGen C3280914, MONDO:0013766, OMIM 614468.

Submission:

Labcorp Genetics (formerly Invitae), Labcorp
Classification: Uncertain significance for Familial cold autoinflammatory syndrome 3. Last evaluated: 2024-02-12. Review status: criteria provided, single submitter. Criteria: Invitae Variant Classification Sherloc (09022015). Collection method: clinical testing. Allele origin: germline.
Comment: This sequence change replaces isoleucine, which is neutral and non-polar, with threonine, which is neutral and polar, at codon 521 of the PLCG2 protein (p.Ile521Thr). This variant is not present in population databases (gnomAD no frequency). This variant has not been reported in the literature in individuals affected with PLCG2-related conditions. ClinVar contains an entry for this variant (Variation ID: 1007528). Algorithms developed to predict the effect of missense changes on protein structure and function output the following: SIFT: "Not Available"; PolyPhen-2: "Benign"; Align-GVGD: "Not Available". The threonine amino acid residue is found in multiple mammalian species, which suggests that this missense change does not adversely affect protein function. In summary, the available evidence is currently insufficient to determine the role of this variant in disease. Therefore, it has been classified as a Variant of Uncertain Significance.

NM_002661.5(PLCG2):c.1562T>C (p.Ile521Thr)

Gene: PLCG2 (phospholipase C gamma 2; plus strand). Cytogenetic location: 16q23.3.
Variant type: single nucleotide variant.
Coding change: c.1562T>C on transcript NM_002661.5 (MANE Select); coding-DNA position 1562, T replaced by C.
Protein change: p.Ile521Thr; replaces isoleucine 521 with threonine.
Molecular consequence: missense variant.
Genome position (GRCh38, 1-based): chr16:81,908,420, T>C. VCF-style: chr16-81908420-T-C. GRCh37 (hg19) VCF-style: chr16-81942025-T-C.
Other names: short protein forms I521T.
Identifiers: ClinVar variation 1007528 (VCV001007528.8), dbSNP rs1909472317, ClinGen allele CA396900055.